The following is an entry in ClinVar:

NM_000478.6(ALPL):c.1309+5G>A

Gene: ALPL (alkaline phosphatase, biomineralization associated; plus strand). Cytogenetic location: 1p36.12.
Variant type: single nucleotide variant.
Coding change: c.1309+5G>A on transcript NM_000478.6 (MANE Select); 5 bases into the intron after coding-DNA position 1309, G replaced by A.
Molecular consequence: intron variant.
Genome position (GRCh38, 1-based): chr1:21,576,646, G>A. VCF-style: chr1-21576646-G-A. GRCh37 (hg19) VCF-style: chr1-21903139-G-A.
Other names: c.1309+5G>A (NM_001369805.2, NM_001369804.2, NM_001369803.2); c.1144+5G>A (NM_001127501.4); c.1078+5G>A (NM_001177520.3).
Identifiers: ClinVar variation 3016826 (VCV003016826.3), dbSNP rs2545347818, ClinGen allele CA2740090526.

ClinVar aggregate classification (germline): Likely pathogenic (1 of 4 stars; one submission).

Submission:

Labcorp Genetics (formerly Invitae), Labcorp
Classification: Likely pathogenic. Last evaluated: 2024-10-17. Review status: criteria provided, single submitter. Criteria: Invitae Variant Classification Sherloc (09022015). Collection method: clinical testing. Allele origin: germline.
Comment: This sequence change falls in intron 11 of the ALPL gene. It does not directly change the encoded amino acid sequence of the ALPL protein. It affects a nucleotide within the consensus splice site. This variant is not present in population databases (gnomAD no frequency). This variant has been observed in individual(s) with hypophosphatasia (internal data). It has also been observed to segregate with disease in related individuals. Variants that disrupt the consensus splice site are a relatively common cause of aberrant splicing (PMID: 17576681, 9536098). Algorithms developed to predict the effect of sequence changes on RNA splicing suggest that this variant may disrupt the consensus splice site. In summary, the currently available evidence indicates that the variant is pathogenic, but additional data are needed to prove that conclusively. Therefore, this variant has been classified as Likely Pathogenic.

Literature cited by the submitters: PubMed 17576681; PubMed 9536098.